The following is an entry in ClinVar:

ClinVar aggregate classification (germline): Conflicting classifications of pathogenicity. Review status: criteria provided, conflicting classifications (1 of 4 stars). 4 submissions from 4 submitters: Uncertain significance (3); Likely benign (1). Last evaluated 2025-10-10.

Conditions:
Inborn genetic diseases. Identifiers: MedGen C0950123, MeSH D030342.
Early-infantile DEE. Also called: Ohtahara syndrome; Early infantile epileptic encephalopathy with suppression bursts; Early infantile epileptic encephalopathy. Identifiers: Orphanet 1934, MedGen C0393706, MONDO:0800491.
Seizures, benign familial neonatal, 1. Also called: KCNQ2-Related Self-Limited Familial Neonatal Epilepsy (SLFNE); Benign Neonatal Epilepsy 1; Seizures, benign neonatal, 1; KCNQ2-Related Benign Familial Neonatal Epilepsy. Identifiers: Orphanet 1949, MedGen C3149074, MONDO:0007365, OMIM 121200.
Developmental and epileptic encephalopathy, 7 (DEE7). Also called: KCNQ2-Related Neonatal-Onset Developmental and Epileptic Encephalopathy (NEO-DEE); Early infantile epileptic encephalopathy 7; KCNQ2-Related Neonatal Epileptic Encephalopathy. Identifiers: Orphanet 439218, MedGen C3150986, MONDO:0013387, OMIM 613720.

Allele frequency attached by ClinVar (database versions not stated): TOPMed 0.00002.
gnomAD v4.1: 11 of 1,595,920 alleles (0.00069%); highest among the groups gnomAD compares: African/African-American, 0.0093%; no homozygotes.

Submissions (4):

Labcorp Genetics (formerly Invitae), Labcorp
Classification: Uncertain significance for Early-infantile DEE. Last evaluated: 2025-10-10. Review status: criteria provided, single submitter. Criteria: Invitae Variant Classification Sherloc (09022015). Collection method: clinical testing. Allele origin: germline.
Comment: This sequence change replaces proline, which is neutral and non-polar, with arginine, which is basic and polar, at codon 652 of the KCNQ2 protein (p.Pro652Arg). This variant is present in population databases (rs770730662, gnomAD 0.02%). This variant has not been reported in the literature in individuals affected with KCNQ2-related conditions. ClinVar contains an entry for this variant (Variation ID: 430045). Invitae Evidence Modeling of protein sequence and biophysical properties (such as structural, functional, and spatial information, amino acid conservation, physicochemical variation, residue mobility, and thermodynamic stability) has been performed for this missense variant. However, the output from this modeling did not meet the statistical confidence thresholds required to predict the impact of this variant on KCNQ2 protein function. In summary, the available evidence is currently insufficient to determine the role of this variant in disease. Therefore, it has been classified as a Variant of Uncertain Significance.

Ambry Genetics
Classification: Likely benign for Inborn genetic diseases. Last evaluated: 2024-12-22. Review status: criteria provided, single submitter. Criteria: Ambry Variant Classification Scheme 2023. Collection method: clinical testing. Allele origin: germline.

Fulgent Genetics
Classification: Uncertain significance for Seizures, benign familial neonatal, 1; Developmental and epileptic encephalopathy, 7. Last evaluated: 2024-01-05. Review status: criteria provided, single submitter. Criteria: ACMG Guidelines, 2015. Collection method: clinical testing. Allele origin: germline.

GeneDx
Classification: Uncertain significance. Last evaluated: 2018-03-12. Review status: criteria provided, single submitter. Criteria: GeneDx Variant Classification (06012015). Collection method: clinical testing. Allele origin: germline. Affected: yes.
Comment: A variant of uncertain significance has been identified in the KCNQ2 gene. The P652R variant has not been published as a pathogenic variant, nor has it been reported as a benign variant to our knowledge. The P652R variant is not observed at a significant frequency in large population cohorts (Lek et al., 2016; 1000 Genomes Consortium et al., 2015; Exome Variant Server). The P652R variant is a non-conservative amino acid substitution, which is likely to impact secondary protein structure as these residues differ in polarity, charge, size and/or other properties. This substitution occurs at a position that is conserved in mammals. In silico analysis is inconsistent in its predictions as to whether or not the variant is damaging to the protein structure/function. Therefore, based on the currently available information, it is unclear whether this variant is a pathogenic variant or a rare benign variant.

NM_172107.4(KCNQ2):c.1955C>G (p.Pro652Arg)

Gene: KCNQ2 (potassium voltage-gated channel subfamily Q member 2; minus strand). Cytogenetic location: 20q13.33.
Variant type: single nucleotide variant.
Coding change: c.1955C>G on transcript NM_172107.4 (MANE Select); coding-DNA position 1955, C replaced by G.
Protein change: p.Pro652Arg; replaces proline 652 with arginine.
Molecular consequence: missense variant.
Genome position (GRCh38, 1-based): chr20:63,407,308, G>C on the plus strand (C>G on the coding strand, the complement: KCNQ2 is on the minus strand). VCF-style: chr20-63407308-G-C. GRCh37 (hg19) VCF-style: chr20-62038661-G-C.
Other names: c.1871C>G, p.Pro624Arg (NM_004518.6); c.1901C>G, p.Pro634Arg (NM_172106.3); c.1862C>G, p.Pro621Arg (NM_172108.5); short protein forms P652R, P621R, P624R, P634R.
Identifiers: ClinVar variation 430045 (VCV000430045.10), dbSNP rs770730662, ClinGen allele CA9958189.